The following is an entry in ClinVar:

ClinVar aggregate classification (germline): Uncertain significance. Review status: criteria provided, multiple submitters, no conflicts (2 of 4 stars). 2 submissions from 2 submitters: Uncertain significance (2). Last evaluated 2025-03-31.

Submissions (2):

Labcorp Genetics (formerly Invitae), Labcorp
Classification: Uncertain significance. Last evaluated: 2025-03-31. Review status: criteria provided, single submitter. Criteria: Invitae Variant Classification Sherloc (09022015). Collection method: clinical testing. Allele origin: germline.
Comment: This sequence change replaces threonine, which is neutral and polar, with asparagine, which is neutral and polar, at codon 305 of the FRMD7 protein (p.Thr305Asn). This variant is not present in population databases (gnomAD no frequency). This variant has not been reported in the literature in individuals affected with FRMD7-related conditions. An algorithm developed to predict the effect of missense changes on protein structure and function (PolyPhen-2) suggests that this variant is likely to be disruptive. In summary, the available evidence is currently insufficient to determine the role of this variant in disease. Therefore, it has been classified as a Variant of Uncertain Significance.

Blueprint Genetics
Classification: Uncertain significance. Last evaluated: 2018-02-15. Review status: criteria provided, single submitter. Criteria: ACMG Guidelines, 2015. Collection method: clinical testing. Allele origin: germline.

NM_194277.3(FRMD7):c.914C>A (p.Thr305Asn)

Gene: FRMD7 (FERM domain containing 7; minus strand). Cytogenetic location: Xq26.2.
Variant type: single nucleotide variant.
Coding change: c.914C>A on transcript NM_194277.3 (MANE Select); coding-DNA position 914, C replaced by A.
Protein change: p.Thr305Asn; replaces threonine 305 with asparagine.
Molecular consequence: missense variant.
Genome position (GRCh38, 1-based): chrX:132,080,258, G>T on the plus strand (C>A on the coding strand, the complement: FRMD7 is on the minus strand). VCF-style: chrX-132080258-G-T. GRCh37 (hg19) VCF-style: chrX-131214286-G-T.
Other names: c.869C>A, p.Thr290Asn (NM_001306193.2); short protein forms T290N, T305N.
Identifiers: ClinVar variation 3659405 (VCV003659405.3).